The following is an entry in ClinVar:

ClinVar aggregate classification (germline): Likely benign. Review status: criteria provided, single submitter (1 of 4 stars). 2 submissions from 2 submitters: Likely benign (1). 1 of the submissions does not count toward it. Last evaluated 2024-11-18.

Conditions:
SLC25A12-related disorder. Also called: SLC25A12-related condition.

Allele frequency attached by ClinVar (database versions not stated): gnomAD exomes 0.00001; gnomAD 0.00009; 1000 Genomes Project 0.00020; ESP Exome Variant Server 0.00023; TOPMed 0.00012; ExAC 0.00002; 1000 Genomes Project 30x 0.00031.

Submissions (2):

Labcorp Genetics (formerly Invitae), Labcorp
Classification: Likely benign. Last evaluated: 2024-11-18. Review status: criteria provided, single submitter. Criteria: Invitae Variant Classification Sherloc (09022015). Collection method: clinical testing. Allele origin: germline.

PreventionGenetics, part of Exact Sciences
Classification: Likely benign for SLC25A12-related condition. Last evaluated: 2020-01-22. Review status: no assertion criteria provided. Collection method: clinical testing. Allele origin: germline. Not counted in ClinVar's aggregate classification.
Comment: This variant is classified as likely benign based on ACMG/AMP sequence variant interpretation guidelines (Richards et al. 2015 PMID: 25741868, with internal and published modifications).

NM_003705.5(SLC25A12):c.469C>T (p.Leu157=)

Gene: SLC25A12 (solute carrier family 25 member 12; minus strand). Cytogenetic location: 2q31.1.
Variant type: single nucleotide variant.
Coding change: c.469C>T on transcript NM_003705.5 (MANE Select); coding-DNA position 469, C replaced by T.
Protein change: p.Leu157=; no amino-acid change (leucine 157 retained).
Molecular consequence: synonymous variant. On other transcripts: non-coding transcript variant (1).
Genome position (GRCh38, 1-based): chr2:171,837,264, G>A on the plus strand (C>T on the coding strand, the complement: SLC25A12 is on the minus strand). VCF-style: chr2-171837264-G-A. GRCh37 (hg19) VCF-style: chr2-172693774-G-A.
Identifiers: ClinVar variation 696792 (VCV000696792.11), dbSNP rs138459110, ClinGen allele CA1966366.